The following is an entry in ClinVar:

NM_016222.4(DDX41):c.707C>T (p.Thr236Met)

Gene: DDX41 (DEAD-box helicase 41; minus strand). Cytogenetic location: 5q35.3.
Variant type: single nucleotide variant.
Coding change: c.707C>T on transcript NM_016222.4 (MANE Select); coding-DNA position 707, C replaced by T.
Protein change: p.Thr236Met; replaces threonine 236 with methionine.
Molecular consequence: missense variant.
Genome position (GRCh38, 1-based): chr5:177,515,007, G>A on the plus strand (C>T on the coding strand, the complement: DDX41 is on the minus strand). VCF-style: chr5-177515007-G-A. GRCh37 (hg19) VCF-style: chr5-176942008-G-A.
Other names: c.329C>T, p.Thr110Met (NM_001321732.2, NM_001321830.2); c.707C>T (NM_016222.2); short protein forms T236M, T110M.
Identifiers: ClinVar variation 1909916 (VCV001909916.10), dbSNP rs747256985, ClinGen allele CA3585050.

ClinVar aggregate classification (germline): Uncertain significance. Review status: criteria provided, multiple submitters, no conflicts (2 of 4 stars). 7 submissions from 7 submitters: Uncertain significance (7). Last evaluated 2024-12-17.

Conditions:
DDX41-related hematologic malignancy predisposition syndrome. Also called: Myeloproliferative/lymphoproliferative neoplasms, familial (multiple types), susceptibility to; DDX41-Associated Familial Myelodysplastic Syndrome and Acute Myeloid Leukemia. Identifiers: Orphanet 488647, MedGen C4225174, MONDO:0014809, OMIM 616871.
Inborn genetic diseases. Identifiers: MedGen C0950123, MeSH D030342.

Allele frequency attached by ClinVar (database versions not stated): gnomAD 0.00001; ExAC 0.00002; gnomAD exomes 0.00002.

Submissions (7):

Ambry Genetics
Classification: Uncertain significance for Inborn genetic diseases. Last evaluated: 2024-12-17. Review status: criteria provided, single submitter. Criteria: Ambry Variant Classification Scheme 2023. Collection method: clinical testing. Allele origin: germline.
Comment: The p.T236M variant (also known as c.707C>T), located in coding exon 8 of the DDX41 gene, results from a C to T substitution at nucleotide position 707. The threonine at codon 236 is replaced by methionine, an amino acid with similar properties. This amino acid position is highly conserved in available vertebrate species. In addition, the in silico prediction for this alteration is inconclusive. Based on the available evidence, the clinical significance of this variant remains unclear.

Fulgent Genetics
Classification: Uncertain significance for DDX41-related hematologic malignancy predisposition syndrome. Last evaluated: 2024-06-20. Review status: criteria provided, single submitter. Criteria: ACMG Guidelines, 2015. Collection method: clinical testing. Allele origin: germline.

Baylor Genetics
Classification: Uncertain significance for DDX41-related hematologic malignancy predisposition syndrome. Last evaluated: 2024-03-01. Review status: criteria provided, single submitter. Criteria: ACMG Guidelines, 2015. Collection method: clinical testing. Allele origin: unknown.

Blueprint Genetics
Classification: Uncertain significance. Last evaluated: 2023-12-15. Review status: criteria provided, single submitter. Criteria: ACMG Guidelines, 2015. Collection method: clinical testing. Allele origin: germline.

Labcorp Genetics (formerly Invitae), Labcorp
Classification: Uncertain significance. Last evaluated: 2023-02-18. Review status: criteria provided, single submitter. Criteria: Invitae Variant Classification Sherloc (09022015). Collection method: clinical testing. Allele origin: germline.
Comment: This sequence change replaces threonine, which is neutral and polar, with methionine, which is neutral and non-polar, at codon 236 of the DDX41 protein (p.Thr236Met). This variant is present in population databases (rs747256985, gnomAD 0.05%). This missense change has been observed in individual(s) with myeloid neoplasm(s) and/or thrombocytopenia (PMID: 35671390). An algorithm developed to predict the effect of missense changes on protein structure and function (PolyPhen-2) suggests that this variant is likely to be disruptive. In summary, the available evidence is currently insufficient to determine the role of this variant in disease. Therefore, it has been classified as a Variant of Uncertain Significance.

Department of Pathology and Laboratory Medicine, Sinai Health System
Classification: Uncertain significance for DDX41-related hematologic malignancy predisposition syndrome. Last evaluated: 2021-07-30. Review status: criteria provided, single submitter. Criteria: ACMG Guidelines, 2015. Collection method: research. Allele origin: germline.

Seattle Children's Hospital Molecular Genetics Laboratory, Seattle Children's Hospital
Classification: Uncertain significance for DDX41-related hematologic malignancy predisposition syndrome. Review status: criteria provided, single submitter. Criteria: ACMG Guidelines, 2015. Collection method: clinical testing. Allele origin: germline. Affected: yes.
Comment: This DDX41 variant has been reported as a germline VUS in multiple unrelated individuals with myeloid neoplasms (PMID: 35671390, PMID: 37506341). The p.Thr236Met variant is also present in large population studies (32 of 1,613,748 alleles, gnomAD v4.1.0) and is observed more frequently in individuals of Ashkenazi Jewish ancestry (16 of 29,606 alleles, gnomAD v4.1.0).

Literature cited by the submitters: PubMed 35671390 (cited by Labcorp Genetics (formerly Invitae), Labcorp).